The following is an entry in ClinVar:

ClinVar aggregate classification (germline): Likely benign (1 of 4 stars; one submission).

gnomAD v4.1: 2 of 1,614,158 alleles (0.00012%); highest among the groups gnomAD compares: Non-Finnish European, 0.00017%; no homozygotes.

Submission:

CeGaT Center for Human Genetics Tuebingen
Classification: Likely benign. Last evaluated: 2025-03-01. Review status: criteria provided, single submitter. Criteria: CeGaT Center For Human Genetics Tuebingen Variant Classification Criteria Version 2. Collection method: clinical testing. Allele origin: germline. Affected: yes. Observed: 1 variant allele.
Comment: DARS2: BP4, BP7

NM_018122.5(DARS2):c.1935T>C (p.His645=)

Gene: DARS2 (aspartyl-tRNA synthetase 2, mitochondrial; plus strand). Cytogenetic location: 1q25.1.
Variant type: single nucleotide variant.
Coding change: c.1935T>C on transcript NM_018122.5 (MANE Select); coding-DNA position 1935, T replaced by C.
Protein change: p.His645=; no amino-acid change (histidine 645 retained).
Molecular consequence: synonymous variant.
Genome position (GRCh38, 1-based): chr1:173,857,702, T>C. VCF-style: chr1-173857702-T-C. GRCh37 (hg19) VCF-style: chr1-173826840-T-C.
Other names: c.1782T>C, p.His594= (NM_001365212.1).
Identifiers: ClinVar variation 3778395 (VCV003778395.7).